The following is an entry in ClinVar:

NM_001034853.2(RPGR):c.1345C>T (p.Arg449Ter)

Gene: RPGR (retinitis pigmentosa GTPase regulator; minus strand). Cytogenetic location: Xp11.4.
Variant type: single nucleotide variant.
Coding change: c.1345C>T on transcript NM_001034853.2 (MANE Select); coding-DNA position 1345, C replaced by T.
Protein change: p.Arg449Ter; replaces arginine 449 with a stop codon.
Molecular consequence: nonsense. On other transcripts: non-coding transcript variant (6).
Genome position (GRCh38, 1-based): chrX:38,297,353, G>A on the plus strand (C>T on the coding strand, the complement: RPGR is on the minus strand). VCF-style: chrX-38297353-G-A. GRCh37 (hg19) VCF-style: chrX-38156606-G-A.
Other names: NM_001034853.2(RPGR):c.1345C>T; p.Arg449Ter; c.1345C>T, p.Arg449Ter (NM_000328.3, NM_001367247.1); c.1342C>T, p.Arg448Ter (NM_001367245.1, NM_001367249.1, NM_001367250.1); c.1159C>T, p.Arg387Ter (NM_001367246.1, NM_001367251.1); c.1375C>T, p.Arg459Ter (NM_001367248.1); short protein forms R387*, R449*, R448*, R459*.
Identifiers: ClinVar variation 866558 (VCV000866558.13), dbSNP rs2067406342, ClinGen allele CA412739485.

ClinVar aggregate classification (germline): Pathogenic. Review status: reviewed by expert panel (3 of 4 stars). 7 submissions from 7 submitters: Pathogenic (1). 6 of the submissions do not count toward it. Last evaluated 2026-01-25.

Conditions:
RPGR-related disorder. Also called: RPGR-related condition.
RPGR-related retinopathy. Also called: RPGR retinopathy. Identifiers: MedGen CN305589, MONDO:0100437.
Primary ciliary dyskinesia. Also called: Ciliary dyskinesia. Identifiers: Orphanet 244, MedGen C0008780, MONDO:0016575, HP:0012265.

Submissions (7):

ClinGen X-linked Inherited Retinal Disease Variant Curation Expert Panel, ClinGen
Classification: Pathogenic for RPGR-related retinopathy. Last evaluated: 2026-01-25. Review status: reviewed by expert panel. Criteria: ClinGen X LinkedIRD ACMG Specifications RPGR V1.0.0. Collection method: curation. Allele origin: germline. Inheritance: X-linked inheritance.
Comment: NM_001034853.2(RPGR):c.1345C>T (p.Arg449Ter) is a nonsense variant that introduces a premature stop codon in exon 11 of 15 that is predicted to trigger nonsense-mediated decay (PVS1). This variant is absent from hemizygous individuals in gnomAD v4.1.0 (PM2_Supporting). This variant has been reported in at least 2 apparently unrelated probands meeting one of the PS4 requirements of some functional vision impairment in affected males by age 30 years, and/or decreased or absent electroretinogram responses (PMID: 35432464, PMID: 29528978, PS4_Supporting). The variant has been reported in additional male probands that did not meet the phenotype requirement (PMID: 33090715, PMID: 32860923, PMID: 11992260, PMID: 23150612, PMID: 37217489). At least one proband harboring this variant exhibits a phenotype including a family history consistent with X-linked inheritance (2 pts), early nyctalopia (0.5 pts), decreased peripheral visual field (0.5 pts), macular dystrophy (0.5 pts), bone spicule pigmentation (0.5 pts), myopia (0.5 pts), and reduced visual acuity (0.5 pts), with genotyping by next-generation sequencing panel identifying no alternative basis for retinal disease (2 pts), which together are specific for RPGR-related retinopathy (7 points, PP4). The variant has been reported to segregate with retinal dystrophy through at least 4 affected meioses from at least 2 families (PP1_Strong; PMID: 30105367, PMID: 29528978, PMID: 35432464). This variant has been identified as a de novo occurrence with confirmed maternal relationships in 1 individual, however, the requirement of some functional vision impairment in affected males by age 30 years, and/or decreased or absent electroretinogram responses were not met, so PS2_Supporting was not applied (ARVO Abstract, Demirci et al., 2023). In summary, this variant is classified as pathogenic for RPGR-related retinopathy based on the ClinGen X-linked Inherited Retinal Disease Expert Panel Specifications to the ACMG/AMP Variant Interpretation Guidelines for RPGR Version 1.0.0; PVS1, PM2_Supporting, PS4_Supporting, PP4, and PP1.

Centre of Medical Genetics, University Hospital Muenster
Classification: Pathogenic. Last evaluated: 2025-08-12. Review status: criteria provided, single submitter. Criteria: ACMG Guidelines, 2015. Collection method: clinical testing. Allele origin: unknown. Affected: yes. Observed: 1 variant allele. Not counted in ClinVar's aggregate classification.
Comment: ACMG categories: PVS1,PS4_sup,PM2_sup

Labcorp Genetics (formerly Invitae), Labcorp
Classification: Pathogenic for Primary ciliary dyskinesia. Last evaluated: 2024-12-17. Review status: criteria provided, single submitter. Criteria: Invitae Variant Classification Sherloc (09022015). Collection method: clinical testing. Allele origin: germline. Not counted in ClinVar's aggregate classification.
Comment: This sequence change creates a premature translational stop signal (p.Arg449*) in the RPGR gene. It is expected to result in an absent or disrupted protein product. Loss-of-function variants in RPGR are known to be pathogenic (PMID: 16055928, 16969763). This variant is not present in population databases (gnomAD no frequency). This premature translational stop signal has been observed in individual(s) with RPGR-related conditions (PMID: 11992260, 33090715). ClinVar contains an entry for this variant (Variation ID: 866558). Algorithms developed to predict the effect of sequence changes on RNA splicing suggest that this variant may disrupt the consensus splice site. For these reasons, this variant has been classified as Pathogenic.

GeneDx
Classification: Pathogenic. Last evaluated: 2024-10-22. Review status: criteria provided, single submitter. Criteria: GeneDx Variant Classification Process June 2021. Collection method: clinical testing. Allele origin: germline. Affected: yes. Not counted in ClinVar's aggregate classification.
Comment: Nonsense variant predicted to result in protein truncation or nonsense mediated decay in a gene for which loss of function is a known mechanism of disease; Not observed at significant frequency in large population cohorts (gnomAD); This variant is associated with the following publications: (PMID: 25525159, 23213406, 33090715, 35432464, 34985506, 36460718, 36729443, 36276946, 37217489, 11992260)

Myriad Genetics, Inc.
Classification: Pathogenic for RPGR-related retinopathy. Last evaluated: 2024-02-03. Review status: criteria provided, single submitter. Criteria: Myriad Autosomal Dominant, Autosomal Recessive and X-Linked Classification Criteria (2023). Collection method: clinical testing. Allele origin: unknown. Not counted in ClinVar's aggregate classification.
Comment: NM_000328.2(RPGR):c.1345C>T(R449*) is expected to be pathogenic in the context of X-linked retinal dystrophy, RPGR-related. This variant is predicted to lead to an abnormal or absent protein product due to the creation of a premature termination codon in RPGR, a gene where loss-of-function variants are known to be pathogenic. Please note: this variant was assessed in the context of healthy population screening.

Blueprint Genetics
Classification: Pathogenic for RPGR-related disorders. Last evaluated: 2022-03-21. Review status: criteria provided, single submitter. Criteria: ACMG Guidelines, 2015. Collection method: clinical testing. Allele origin: germline. Affected: yes. Observed: 5 variant alleles. Not counted in ClinVar's aggregate classification.

PreventionGenetics, part of Exact Sciences
Classification: Pathogenic. Last evaluated: 2021-12-27. Review status: criteria provided, single submitter. Criteria: ACMG Guidelines, 2015. Collection method: clinical testing. Allele origin: germline. Not counted in ClinVar's aggregate classification.

Literature cited by the submitters: PubMed 16055928 (cited by Labcorp Genetics (formerly Invitae), Labcorp); PubMed 16969763 (cited by Labcorp Genetics (formerly Invitae), Labcorp); PubMed 11992260 (cited by Labcorp Genetics (formerly Invitae), Labcorp); PubMed 33090715 (cited by Labcorp Genetics (formerly Invitae), Labcorp).